The following is an entry in ClinVar:

ClinVar aggregate classification (germline): Uncertain significance (1 of 4 stars; one submission).

gnomAD v4.1: 3 of 1,605,440 alleles (0.00019%); highest among the groups gnomAD compares: South Asian, 0.0011%; no homozygotes.

Submission:

Dasa
Classification: Uncertain significance. Last evaluated: 2026-03-31. Review status: criteria provided, single submitter. Criteria: DASA Assertion Criteria. Collection method: clinical testing. Allele origin: germline.
Comment: NM_001349884.2(DRAM2):c.683G>T (p.Arg228Leu) is a missense variant that results in the substitution of arginine with leucine. This variant has been observed in affected individuals with DRAM2-related disorders. Also, this variant is rare in population databases. The currently available literature and clinical evidence are not sufficient to establish a definitive association between this variant and the reported condition. Therefore, this variant is classified as a variant of uncertain significance.

NM_001349884.2(DRAM2):c.683G>T (p.Arg228Leu)

Gene: DRAM2 (DNA damage regulated autophagy modulator 2; minus strand). Cytogenetic location: 1p13.3.
Variant type: single nucleotide variant.
Coding change: c.683G>T on transcript NM_001349884.2 (MANE Select); coding-DNA position 683, G replaced by T.
Protein change: p.Arg228Leu; replaces arginine 228 with leucine.
Molecular consequence: missense variant. On other transcripts: non-coding transcript variant (8).
Genome position (GRCh38, 1-based): chr1:111,118,815, C>A on the plus strand (G>T on the coding strand, the complement: DRAM2 is on the minus strand). VCF-style: chr1-111118815-C-A. GRCh37 (hg19) VCF-style: chr1-111661437-C-A.
Other names: c.683G>T, p.Arg228Leu (NM_001349885.2, NM_178454.6, NM_001349881.2 and 1 more transcripts); c.413G>T, p.Arg138Leu (NM_001349886.2, NM_001349887.2, NM_001349888.2); c.293G>T, p.Arg98Leu (NM_001349889.2, NM_001349890.2, NM_001349891.2 and 2 more transcripts); short protein forms R138L, R228L, R98L.
Identifiers: ClinVar variation 4885215 (VCV004885215.2).